The following is an entry in ClinVar:

NM_005419.4(STAT2):c.131+5G>A

Gene: STAT2 (signal transducer and activator of transcription 2; minus strand). Cytogenetic location: 12q13.3.
Variant type: single nucleotide variant.
Coding change: c.131+5G>A on transcript NM_005419.4 (MANE Select); 5 bases into the intron after coding-DNA position 131, G replaced by A.
Molecular consequence: intron variant.
Genome position (GRCh38, 1-based): chr12:56,356,436, C>T on the plus strand (G>A on the coding strand, the complement: STAT2 is on the minus strand). VCF-style: chr12-56356436-C-T. GRCh37 (hg19) VCF-style: chr12-56750220-C-T.
Other names: c.131+5G>A (NM_001385110.1, NM_001385115.1, NM_198332.2 and 3 more transcripts).
Identifiers: ClinVar variation 4071524 (VCV004071524.1).

ClinVar aggregate classification (germline): Uncertain significance (1 of 4 stars; one submission).

Conditions:
Primary immunodeficiency with post-measles-mumps-rubella vaccine viral infection. Also called: Immunodeficiency 44. Identifiers: Orphanet 431166, MedGen C4225260, MONDO:0014715, OMIM 616636.

Submission:

Next Generation Genetic Polyclinic
Classification: Uncertain significance for Primary immunodeficiency with post-measles-mumps-rubella vaccine viral infection. Last evaluated: 2025-03-30. Review status: criteria provided, single submitter. Criteria: ACMG Guidelines, 2015. Collection method: curation. Allele origin: germline. Affected: yes. Observed: 1 variant allele.
Comment: Novel intronic variant in the STAT2 gene (c.131+5G>A), located at the +5 position of the splice donor site, which may impact normal splicing. In silico prediction tools suggest a deleterious effect on splicing (PP3). The variant is absent from population databases such as gnomAD (PM2) and has not been previously reported in ClinVar or the literature. STAT2 deficiency is associated with autosomal recessive susceptibility to viral infections and interferon signaling defects. The homozygous state is consistent with recessive inheritance. Currently classified as a Variant of Uncertain Significance (VUS). Meets ACMG criteria: PM2 (absence from population databases), PP3 (computational evidence supporting a deleterious effect).